The following is an entry in ClinVar:

NM_001347721.2(DYRK1A):c.76G>A (p.Ala26Thr)

Gene: DYRK1A (dual specificity tyrosine phosphorylation regulated kinase 1A; plus strand). Cytogenetic location: 21q22.13.
Variant type: single nucleotide variant.
Coding change: c.76G>A on transcript NM_001347721.2 (MANE Select); coding-DNA position 76, G replaced by A.
Protein change: p.Ala26Thr; replaces alanine 26 with threonine.
Molecular consequence: missense variant. On other transcripts: 5 prime UTR variant (1).
Genome position (GRCh38, 1-based): chr21:37,472,749, G>A. VCF-style: chr21-37472749-G-A. GRCh37 (hg19) VCF-style: chr21-38845051-G-A.
Other names: c.76G>A, p.Ala26Thr (NM_001347722.2, NM_001396.5, NM_101395.2 and 2 more transcripts); c.-12G>A (NM_001347723.2); short protein forms A26T.
Identifiers: ClinVar variation 1478436 (VCV001478436.8), dbSNP rs2148556430, ClinGen allele CA409942344.
Genomic context (GRCh38, chr21:37,472,749, plus strand): 5'-GAGACTTCAGCATGCAAACCTTCATCTGTTCGGCTTGCACCGTCATTTTCATTCCATGCT[G>A]CTGGCCTTCAGATGGCTGGACAGATGCCCCATTCACATCAGTACAGTGACCGTCGCCAGC-3'
Protein context (NP_001334650.1, residues 16-36): RLAPSFSFHA[Ala26Thr]GLQMAGQMPH

ClinVar aggregate classification (germline): Uncertain significance (1 of 4 stars; one submission).

Conditions:
DYRK1A-related intellectual disability syndrome (MRD7). Also called: DYRK1A Syndrome; Intellectual developmental disorder, autosomal dominant 7. Identifiers: Orphanet 464306, MedGen C5568143, MONDO:0013578, OMIM 614104.

gnomAD v4.1: 1 of 1,612,318 alleles (0.000062%); highest among the groups gnomAD compares: Non-Finnish European, 0.000085%; no homozygotes.

Submission:

Labcorp Genetics (formerly Invitae), Labcorp
Classification: Uncertain significance for DYRK1A-related intellectual disability syndrome. Last evaluated: 2022-09-01. Review status: criteria provided, single submitter. Criteria: Invitae Variant Classification Sherloc (09022015). Collection method: clinical testing. Allele origin: germline.
Comment: This sequence change replaces alanine, which is neutral and non-polar, with threonine, which is neutral and polar, at codon 26 of the DYRK1A protein (p.Ala26Thr). This variant is not present in population databases (gnomAD no frequency). This variant has not been reported in the literature in individuals affected with DYRK1A-related conditions. ClinVar contains an entry for this variant (Variation ID: 1478436). Algorithms developed to predict the effect of missense changes on protein structure and function are either unavailable or do not agree on the potential impact of this missense change (SIFT: "Deleterious"; PolyPhen-2: "Benign"; Align-GVGD: "Class C0"). In summary, the available evidence is currently insufficient to determine the role of this variant in disease. Therefore, it has been classified as a Variant of Uncertain Significance.